The following is an entry in ClinVar:

NM_004333.6(BRAF):c.711+3A>G

Gene: BRAF (B-Raf proto-oncogene, serine/threonine kinase; minus strand). Cytogenetic location: 7q34.
Variant type: single nucleotide variant.
Coding change: c.711+3A>G on transcript NM_004333.6 (MANE Select); 3 bases into the intron after coding-DNA position 711, A replaced by G.
Molecular consequence: intron variant.
Genome position (GRCh38, 1-based): chr7:140,807,957, T>C on the plus strand (A>G on the coding strand, the complement: BRAF is on the minus strand). VCF-style: chr7-140807957-T-C. GRCh37 (hg19) VCF-style: chr7-140507757-T-C.
Other names: c.711+3A>G (NM_001378474.1, NM_001378471.1, NM_001378468.1 and 4 more transcripts); c.609+3A>G (NM_001378470.1); c.447+3A>G (NM_001378475.1); c.720+3A>G (NM_001378467.1); c.555+3A>G (NM_001378472.1, NM_001378473.1).
Identifiers: ClinVar variation 3604997 (VCV003604997.2).

ClinVar aggregate classification (germline): Uncertain significance (1 of 4 stars; one submission).

Conditions:
RASopathy. Also called: Noonan spectrum disorder; rasopathies. Identifiers: Orphanet 536391, MedGen C5555857, MONDO:0021060.

Submission:

Labcorp Genetics (formerly Invitae), Labcorp
Classification: Uncertain significance for RASopathy. Last evaluated: 2024-06-04. Review status: criteria provided, single submitter. Criteria: Invitae Variant Classification Sherloc (09022015). Collection method: clinical testing. Allele origin: germline.
Comment: This sequence change falls in intron 5 of the BRAF gene. It does not directly change the encoded amino acid sequence of the BRAF protein. It affects a nucleotide within the consensus splice site. This variant is not present in population databases (gnomAD no frequency). This variant has not been reported in the literature in individuals affected with BRAF-related conditions. Variants that disrupt the consensus splice site are a relatively common cause of aberrant splicing (PMID: 17576681, 9536098). Algorithms developed to predict the effect of sequence changes on RNA splicing suggest that this variant may disrupt the consensus splice site. In summary, the available evidence is currently insufficient to determine the role of this variant in disease. Therefore, it has been classified as a Variant of Uncertain Significance.

Literature cited by the submitters: PubMed 17576681; PubMed 9536098.